The following is an entry in ClinVar:

ClinVar aggregate classification (germline): Conflicting classifications of pathogenicity. Review status: criteria provided, conflicting classifications (1 of 4 stars). 2 submissions from 2 submitters: Uncertain significance (1); Likely benign (1). Last evaluated 2025-07-28.

Conditions:
Hereditary cancer-predisposing syndrome. Also called: Hereditary Cancer Syndrome; Tumor predisposition; Hereditary neoplastic syndrome; Neoplastic Syndromes, Hereditary. Identifiers: Orphanet 140162, MedGen C0027672, MeSH D009386, MONDO:0015356.
Familial cancer of breast. Also called: Hereditary breast cancer; hereditary breast carcinoma; BREAST CANCER, FAMILIAL. Identifiers: Orphanet 227535, MedGen C0346153, MONDO:0016419, OMIM 114480. Disease mechanism: loss of function.

gnomAD v4.1: 1 of 1,613,984 alleles (0.000062%); highest among the groups gnomAD compares: South Asian, 0.0011%; no homozygotes.

Submissions (2):

Labcorp Genetics (formerly Invitae), Labcorp
Classification: Uncertain significance for Familial cancer of breast. Last evaluated: 2025-07-28. Review status: criteria provided, single submitter. Criteria: Invitae Variant Classification Sherloc (09022015). Collection method: clinical testing. Allele origin: germline.
Comment: This sequence change replaces proline, which is neutral and non-polar, with leucine, which is neutral and non-polar, at codon 399 of the PALB2 protein (p.Pro399Leu). This variant is not present in population databases (gnomAD no frequency). This variant has not been reported in the literature in individuals affected with PALB2-related conditions. ClinVar contains an entry for this variant (Variation ID: 1047627). Invitae Evidence Modeling of protein sequence and biophysical properties (such as structural, functional, and spatial information, amino acid conservation, physicochemical variation, residue mobility, and thermodynamic stability) indicates that this missense variant is not expected to disrupt PALB2 protein function with a negative predictive value of 80%. In summary, the available evidence is currently insufficient to determine the role of this variant in disease. Therefore, it has been classified as a Variant of Uncertain Significance.

Ambry Genetics
Classification: Likely benign for Hereditary cancer-predisposing syndrome. Last evaluated: 2023-04-16. Review status: criteria provided, single submitter. Criteria: Ambry Variant Classification Scheme 2023. Collection method: clinical testing. Allele origin: germline.

NM_024675.4(PALB2):c.1196C>T (p.Pro399Leu)

Gene: PALB2 (partner and localizer of BRCA2; minus strand). Cytogenetic location: 16p12.2.
Variant type: single nucleotide variant.
Coding change: c.1196C>T on transcript NM_024675.4 (MANE Select); coding-DNA position 1196, C replaced by T.
Protein change: p.Pro399Leu; replaces proline 399 with leucine.
Molecular consequence: missense variant.
Genome position (GRCh38, 1-based): chr16:23,635,350, G>A on the plus strand (C>T on the coding strand, the complement: PALB2 is on the minus strand). VCF-style: chr16-23635350-G-A. GRCh37 (hg19) VCF-style: chr16-23646671-G-A.
Other names: c.1196C>T (NM_024675.3); short protein forms P399L.
Identifiers: ClinVar variation 1047627 (VCV001047627.9), dbSNP rs776115183, ClinGen allele CA395133260.